The following is an entry in ClinVar:

ClinVar aggregate classification (germline): Likely benign (1 of 4 stars; one submission).

Allele frequency attached by ClinVar (database versions not stated): 1000 Genomes Project 30x 0.00047; 1000 Genomes Project 0.00060; ESP Exome Variant Server 0.00166; gnomAD exomes 0.00172; gnomAD 0.00174; ExAC 0.00205.

Submission:

CeGaT Center for Human Genetics Tuebingen
Classification: Likely benign. Last evaluated: 2025-06-01. Review status: criteria provided, single submitter. Criteria: CeGaT Center For Human Genetics Tuebingen Variant Classification Criteria Version 2. Collection method: clinical testing. Allele origin: germline. Affected: yes. Observed: 2 variant alleles.
Comment: ENSG00000229255: BS2; OR2T34: BP4, BP7

NM_001001821.1(OR2T34):c.36A>G (p.Thr12=)

Gene: OR2T34 (olfactory receptor family 2 subfamily T member 34; minus strand). Cytogenetic location: 1q44.
Variant type: single nucleotide variant.
Coding change: c.36A>G on transcript NM_001001821.1 (MANE Select); coding-DNA position 36, A replaced by G.
Protein change: p.Thr12=; no amino-acid change (threonine 12 retained).
Molecular consequence: synonymous variant.
Genome position (GRCh38, 1-based): chr1:248,574,722, T>C on the plus strand (A>G on the coding strand, the complement: OR2T34 is on the minus strand). VCF-style: chr1-248574722-T-C. GRCh37 (hg19) VCF-style: chr1-248738023-T-C.
Identifiers: ClinVar variation 2640257 (VCV002640257.24), dbSNP rs150186739, ClinGen allele CA1505814.